The following is an entry in ClinVar:

NM_002907.4(RECQL):c.1490T>C (p.Ile497Thr)

Gene: RECQL (RecQ like helicase; minus strand). Cytogenetic location: 12p12.1.
Variant type: single nucleotide variant.
Coding change: c.1490T>C on transcript NM_002907.4 (MANE Select); coding-DNA position 1490, T replaced by C.
Protein change: p.Ile497Thr; replaces isoleucine 497 with threonine.
Molecular consequence: missense variant.
Genome position (GRCh38, 1-based): chr12:21,471,605, A>G on the plus strand (T>C on the coding strand, the complement: RECQL is on the minus strand). VCF-style: chr12-21471605-A-G. GRCh37 (hg19) VCF-style: chr12-21624539-A-G.
Other names: c.1490T>C, p.Ile497Thr (NM_032941.3); short protein forms I497T.
Identifiers: ClinVar variation 2586017 (VCV002586017.2), dbSNP rs1426432625, ClinGen allele CA384116305.

ClinVar aggregate classification (germline): Uncertain significance (1 of 4 stars; one submission).

Allele frequency attached by ClinVar (database versions not stated): gnomAD exomes below 0.00001; TOPMed 0.00001.
gnomAD v4.1: 1 of 1,612,826 alleles (0.000062%); highest among the groups gnomAD compares: Non-Finnish European, 0.000085%; no homozygotes.

Submission:

Ambry Genetics
Classification: Uncertain significance. Last evaluated: 2023-08-25. Review status: criteria provided, single submitter. Criteria: Ambry Variant Classification Scheme 2023. Collection method: clinical testing. Allele origin: germline.
Comment: The p.I497T variant (also known as c.1490T>C), located in coding exon 12 of the RECQL gene, results from a T to C substitution at nucleotide position 1490. The isoleucine at codon 497 is replaced by threonine, an amino acid with similar properties. This amino acid position is conserved. In addition, this alteration is predicted to be tolerated by in silico analysis. Since supporting evidence is limited at this time, the clinical significance of this alteration remains unclear.